The following is an entry in ClinVar:

ClinVar aggregate classification (germline): Pathogenic. Review status: criteria provided, multiple submitters, no conflicts (2 of 4 stars). 3 submissions from 3 submitters: Pathogenic (3). Last evaluated 2026-07-16.

Conditions:
Charcot-Marie-Tooth disease type 2. Also called: Charcot-Marie-Tooth type 2. Identifiers: Orphanet 64746, MedGen C0270914, MONDO:0018993.
Cardiovascular phenotype. Identifiers: MedGen CN230736.

Submissions (3):

GeneDx
Classification: Pathogenic. Last evaluated: 2026-07-16. Review status: criteria provided, single submitter. Criteria: GeneDx Variant Classification Process June 2021. Collection method: clinical testing. Allele origin: germline.
Comment: Identified in a patient with DCM and in a patient with cardiomyopathy and conduction defect (PMID: 36136372, 31383942); Canonical splice site variant demonstrated to result in a null allele in a gene for which loss of function is a known mechanism of disease (PMID: 36293084); Not observed at significant frequency in large population cohorts (gnomAD); This variant is associated with the following publications: (PMID: 31383942, 36136372, 37580177, 36293084)

Labcorp Genetics (formerly Invitae), Labcorp
Classification: Pathogenic for Charcot-Marie-Tooth disease type 2. Last evaluated: 2024-09-30. Review status: criteria provided, single submitter. Criteria: Invitae Variant Classification Sherloc (09022015). Collection method: clinical testing. Allele origin: germline.
Comment: This sequence change affects a donor splice site in intron 1 of the LMNA gene. It is expected to disrupt RNA splicing. Variants that disrupt the donor or acceptor splice site typically lead to a loss of protein function (PMID: 16199547), and loss-of-function variants in LMNA are known to be pathogenic (PMID: 18585512, 18926329). This variant is not present in population databases (gnomAD no frequency). Disruption of this splice site has been observed in individuals with clinical features of LMNA-related conditions (PMID: 23062543; internal data). ClinVar contains an entry for this variant (Variation ID: 200933). Algorithms developed to predict the effect of sequence changes on RNA splicing suggest that this variant may disrupt the consensus splice site. For these reasons, this variant has been classified as Pathogenic.

Molecular Diagnostic Laboratory for Inherited Cardiovascular Disease, Montreal Heart Institute
Classification: Pathogenic for Cardiovascular phenotype. Last evaluated: 2024-03-19. Review status: criteria provided, single submitter. Criteria: ACMG Guidelines, 2015. Collection method: clinical testing. Allele origin: germline. Affected: yes.
Comment: PVS1, PP1_strong, PM2, PS4_supp, PP5

Literature cited by the submitters: PubMed 16199547 (cited by Labcorp Genetics (formerly Invitae), Labcorp); PubMed 18585512 (cited by Labcorp Genetics (formerly Invitae), Labcorp); PubMed 18926329 (cited by Labcorp Genetics (formerly Invitae), Labcorp); PubMed 23062543 (cited by Labcorp Genetics (formerly Invitae), Labcorp).

NM_170707.4(LMNA):c.356+1G>A

Gene: LMNA (lamin A/C; plus strand). Cytogenetic location: 1q22.
Variant type: single nucleotide variant.
Coding change: c.356+1G>A on transcript NM_170707.4 (MANE Select); the canonical splice donor site of the intron after coding-DNA position 356, G replaced by A.
Molecular consequence: splice donor variant. On other transcripts: intron variant (2).
Genome position (GRCh38, 1-based): chr1:156,115,275, G>A. VCF-style: chr1-156115275-G-A. GRCh37 (hg19) VCF-style: chr1-156085066-G-A.
Other names: c.-309+1G>A (NM_001406994.1, NM_001407000.1); c.356+1G>A (NM_001406985.1, NM_001282626.2, NM_170708.4 and 6 more transcripts); c.-152+1G>A (NM_001407001.1); c.-46+1G>A (NM_001406995.1, NM_001406990.1, NM_001407002.1); c.-203+8452G>A (NM_001406993.1, NM_001407003.1); c.-489+1G>A (NM_001406999.1); c.-68+1G>A (NM_001406986.1).
Identifiers: ClinVar variation 200933 (VCV000200933.14), dbSNP rs794728589, ClinGen allele CA017954.
Genomic context (GRCh38, chr1:156,115,275, plus strand): 5'-CGCCCGCCTGCAGCTGGAGCTGAGCAAAGTGCGTGAGGAGTTTAAGGAGCTGAAAGCGCG[G>A]TGAGTTCGCCCAGGTGGCTGCGTGCCTGGCGGGGAGTGGAGAGGGCGGCGGGCCGGCGCC-3'